The following is an entry in ClinVar:

NM_017775.4(TTC19):c.582-14A>G

Gene: TTC19 (tetratricopeptide repeat domain 19; plus strand). Cytogenetic location: 17p12.
Variant type: single nucleotide variant.
Coding change: c.582-14A>G on transcript NM_017775.4 (MANE Select); 14 bases into the intron before coding-DNA position 582, A replaced by G.
Molecular consequence: intron variant.
Genome position (GRCh38, 1-based): chr17:16,006,460, A>G. VCF-style: chr17-16006460-A-G. GRCh37 (hg19) VCF-style: chr17-15909774-A-G.
Other names: c.261-14A>G (NM_001271420.2).
Identifiers: ClinVar variation 681425 (VCV000681425.2), dbSNP rs372132660, ClinGen allele CA8407463.

ClinVar aggregate classification (germline): Likely benign. Review status: criteria provided, multiple submitters, no conflicts (2 of 4 stars). 2 submissions from 2 submitters: Likely benign (2). Last evaluated 2025-07-29.

Allele frequency attached by ClinVar (database versions not stated): gnomAD exomes 0.00001; ExAC 0.00002; gnomAD 0.00006; TOPMed 0.00007; ESP Exome Variant Server 0.00008; 1000 Genomes Project 30x 0.00016; 1000 Genomes Project 0.00020.
gnomAD v4.1: 21 of 1,567,610 alleles (0.0013%); highest among the groups gnomAD compares: African/African-American, 0.026%; no homozygotes.

Submissions (2):

Labcorp Genetics (formerly Invitae), Labcorp
Classification: Likely benign. Last evaluated: 2025-07-29. Review status: criteria provided, single submitter. Criteria: Invitae Variant Classification Sherloc (09022015). Collection method: clinical testing. Allele origin: germline.

GeneDx
Classification: Likely benign. Last evaluated: 2018-04-24. Review status: criteria provided, single submitter. Criteria: GeneDx Variant Classification (06012015). Collection method: clinical testing. Allele origin: germline. Affected: yes.
Comment: This variant is considered likely benign or benign based on one or more of the following criteria: it is a conservative change, it occurs at a poorly conserved position in the protein, it is predicted to be benign by multiple in silico algorithms, and/or has population frequency not consistent with disease.